The following is an entry in ClinVar:

NM_006294.5(UQCRB):c.292G>A (p.Val98Ile)

Gene: UQCRB (ubiquinol-cytochrome c reductase binding protein; minus strand). Cytogenetic location: 8q22.1.
Variant type: single nucleotide variant.
Coding change: c.292G>A on transcript NM_006294.5 (MANE Select); coding-DNA position 292, G replaced by A.
Protein change: p.Val98Ile; replaces valine 98 with isoleucine.
Molecular consequence: missense variant. On other transcripts: 3 prime UTR variant (1), non-coding transcript variant (1).
Genome position (GRCh38, 1-based): chr8:96,231,099, C>T on the plus strand (G>A on the coding strand, the complement: UQCRB is on the minus strand). VCF-style: chr8-96231099-C-T. GRCh37 (hg19) VCF-style: chr8-97243327-C-T.
Other names: c.196G>A, p.Val66Ile (NM_001199975.3); c.*6G>A (NM_001254752.2); short protein forms V66I, V98I.
Identifiers: ClinVar variation 4743837 (VCV004743837.1).

ClinVar aggregate classification (germline): Uncertain significance (1 of 4 stars; one submission).

Submission:

Labcorp Genetics (formerly Invitae), Labcorp
Classification: Uncertain significance. Last evaluated: 2025-10-08. Review status: criteria provided, single submitter. Criteria: Invitae Variant Classification Sherloc (09022015). Collection method: clinical testing. Allele origin: germline.
Comment: This sequence change replaces valine, which is neutral and non-polar, with isoleucine, which is neutral and non-polar, at codon 98 of the UQCRB protein (p.Val98Ile). This variant is present in population databases (rs747749476, gnomAD 0.0009%). This variant has not been reported in the literature in individuals affected with UQCRB-related conditions. An algorithm developed to predict the effect of missense changes on protein structure and function (PolyPhen-2) suggests that this variant is likely to be disruptive. In summary, the available evidence is currently insufficient to determine the role of this variant in disease. Therefore, it has been classified as a Variant of Uncertain Significance.